The following is an entry in ClinVar:

NM_004836.7(EIF2AK3):c.3025_3029del (p.Ser1009fs)

Genes: EIF2AK3 (eukaryotic translation initiation factor 2 alpha kinase 3; minus strand), EIF2AK3-AS1 (EIF2AK3 antisense RNA 1; plus strand). Cytogenetic location: 2p11.2.
Variant type: Microsatellite.
Coding change: c.3025_3029del on transcript NM_004836.7 (MANE Select); coding-DNA positions 3025 to 3029, 5 bases deleted (TCTTT; older notation c.3025_3029delTCTTT).
Protein change: p.Ser1009fs; shifts the reading frame from serine 1009.
Molecular consequence: frameshift variant.
Genome position (GRCh38, 1-based): chr2:88,562,347-88,562,351, AAAGA deleted on the plus strand (TCTTT on the coding strand, the reverse complement: EIF2AK3 is on the minus strand); deleting any 5 consecutive bases within chr2:88,562,347-88,562,356 gives the same sequence; the c. name uses the placement nearest the transcript's 3' end. VCF-style (leftmost placement, unchanged base first): chr2-88562346-TAAAGA-T. GRCh37 (hg19) VCF-style: chr2-88861864-TAAAGA-T.
Other names: c.2572_2576del, p.Ser858fs (NM_001313915.2); short protein forms S1009fs, S858fs.
Identifiers: ClinVar variation 2030634 (VCV002030634.4), dbSNP rs2529098711, ClinGen allele CA2580611677.
Genomic context (GRCh38, chr2:88,562,346, plus strand): 5'-TACCCTGACTCTCTCCATCTGAGTGCTGAATGGATACAGCAATTCAAATAGAATCAGGCC[TAAAGA>T]AAAGATGTCCACTTTATGAGAATAGCTGTTTCCATGAATCTGAAATCCCACATAAAGAAA-3'

ClinVar aggregate classification (germline): Pathogenic (1 of 4 stars; one submission).

Submission:

Labcorp Genetics (formerly Invitae), Labcorp
Classification: Pathogenic. Last evaluated: 2022-09-15. Review status: criteria provided, single submitter. Criteria: Invitae Variant Classification Sherloc (09022015). Collection method: clinical testing. Allele origin: germline.
Comment: Algorithms developed to predict the effect of sequence changes on RNA splicing suggest that this variant may disrupt the consensus splice site. This sequence change creates a premature translational stop signal (p.Ser1009Argfs*6) in the EIF2AK3 gene. It is expected to result in an absent or disrupted protein product. Loss-of-function variants in EIF2AK3 are known to be pathogenic (PMID: 11997520). This variant is not present in population databases (gnomAD no frequency). This variant has not been reported in the literature in individuals affected with EIF2AK3-related conditions. For these reasons, this variant has been classified as Pathogenic.

Literature cited by the submitters: PubMed 11997520.